The following is an entry in ClinVar:

NM_182961.4(SYNE1):c.8570A>G (p.His2857Arg)

Genes: SYNE1 (spectrin repeat containing nuclear envelope protein 1; minus strand), LOC126859838 (CDK7 strongly-dependent group 2 enhancer GRCh37_chr6:152706655-152707854; plus strand). Cytogenetic location: 6q25.2.
Variant type: single nucleotide variant.
Coding change: c.8570A>G on transcript NM_182961.4 (MANE Select); coding-DNA position 8570, A replaced by G.
Protein change: p.His2857Arg; replaces histidine 2857 with arginine.
Molecular consequence: missense variant.
Genome position (GRCh38, 1-based): chr6:152,385,756, T>C on the plus strand (A>G on the coding strand, the complement: SYNE1 is on the minus strand). VCF-style: chr6-152385756-T-C. GRCh37 (hg19) VCF-style: chr6-152706891-T-C.
Other names: c.8591A>G, p.His2864Arg (NM_033071.5); short protein forms H2857R, H2864R.
Identifiers: ClinVar variation 1715011 (VCV001715011.3), dbSNP rs2492205814, ClinGen allele CA366145461.

ClinVar aggregate classification (germline): Uncertain significance (1 of 4 stars; one submission).

Conditions:
Emery-Dreifuss muscular dystrophy 4, autosomal dominant (EDMD4). Also called: EMERY-DREIFUSS MUSCULAR DYSTROPHY 4 WITH VARIABLE FEATURES. Identifiers: Orphanet 261, MedGen C2751807, MONDO:0013071, OMIM 612998.
Autosomal recessive ataxia, Beauce type. Also called: SYNE1-Related Autosomal Recessive Cerebellar Ataxia; SYNE1 Deficiency; Spinocerebellar ataxia, autosomal recessive 8; ATAXIA, RECESSIVE, OF BEAUCE. Identifiers: Orphanet 88644, MedGen C1853116, MONDO:0012549, OMIM 610743.

Submission:

Labcorp Genetics (formerly Invitae), Labcorp
Classification: Uncertain significance for Emery-Dreifuss muscular dystrophy 4, autosomal dominant; Autosomal recessive ataxia, Beauce type. Last evaluated: 2022-08-04. Review status: criteria provided, single submitter. Criteria: Invitae Variant Classification Sherloc (09022015). Collection method: clinical testing. Allele origin: germline.
Comment: This sequence change replaces histidine, which is basic and polar, with arginine, which is basic and polar, at codon 2864 of the SYNE1 protein (p.His2864Arg). This variant is not present in population databases (gnomAD no frequency). This variant has not been reported in the literature in individuals affected with SYNE1-related conditions. Algorithms developed to predict the effect of missense changes on protein structure and function are either unavailable or do not agree on the potential impact of this missense change (SIFT: "Deleterious"; PolyPhen-2: "Benign"; Align-GVGD: "Class C25"). In summary, the available evidence is currently insufficient to determine the role of this variant in disease. Therefore, it has been classified as a Variant of Uncertain Significance.